The following is an entry in ClinVar:

ClinVar aggregate classification (germline): Uncertain significance. Review status: criteria provided, multiple submitters, no conflicts (2 of 4 stars). 2 submissions from 2 submitters: Uncertain significance (2). Last evaluated 2025-12-23.

Allele frequency attached by ClinVar (database versions not stated): gnomAD exomes 0.00001; gnomAD 0.00002; TOPMed 0.00002; ExAC 0.00003.
gnomAD v4.1: 20 of 1,611,870 alleles (0.0012%); highest among the groups gnomAD compares: Admixed American, 0.013%; no homozygotes.

Submissions (2):

Labcorp Genetics (formerly Invitae), Labcorp
Classification: Uncertain significance. Last evaluated: 2025-12-23. Review status: criteria provided, single submitter. Criteria: Invitae Variant Classification Sherloc (09022015). Collection method: clinical testing. Allele origin: germline.
Comment: This sequence change creates a premature translational stop signal (p.Tyr82*) in the LIPN gene. It is expected to result in an absent or disrupted protein product. However, the current clinical and genetic evidence is not sufficient to establish whether loss-of-function variants in LIPN cause disease. This variant is present in population databases (rs745861312, gnomAD 0.02%). This variant has not been reported in the literature in individuals affected with LIPN-related conditions. ClinVar contains an entry for this variant (Variation ID: 1804712). In summary, the available evidence is currently insufficient to determine the role of this variant in disease. Therefore, it has been classified as a Variant of Uncertain Significance.

Women's Health and Genetics/Laboratory Corporation of America, LabCorp
Classification: Uncertain significance. Last evaluated: 2022-11-15. Review status: criteria provided, single submitter. Criteria: LabCorp Variant Classification Summary - May 2015. Collection method: clinical testing. Allele origin: germline.
Comment: Variant summary: LIPN c.246T>G (p.Tyr82X) results in a premature termination codon, predicted to cause a truncation of the encoded protein or absence of the protein due to nonsense mediated decay. Only one truncating variant has been reported as associated with icthyosis in HGMD, while other downstream truncating variants have been reported as uncertain significance or likley benign (our laboratory, ClinVar). The variant allele was found at a frequency of 3.6e-05 in 248058 control chromosomes. The available data on variant occurrences in the general population are insufficient to allow any conclusion about variant significance. To our knowledge, no occurrence of c.246T>G in individuals affected with Lamellar Ichthyosis and no experimental evidence demonstrating its impact on protein function have been reported. No clinical diagnostic laboratories have submitted clinical-significance assessments for this variant to ClinVar after 2014. Based on the evidence outlined above, the variant was classified as uncertain significance.

NM_001102469.2(LIPN):c.246T>G (p.Tyr82Ter)

Gene: LIPN (lipase family member N; plus strand). Cytogenetic location: 10q23.31.
Variant type: single nucleotide variant.
Coding change: c.246T>G on transcript NM_001102469.2 (MANE Select); coding-DNA position 246, T replaced by G.
Protein change: p.Tyr82Ter; replaces tyrosine 82 with a stop codon.
Molecular consequence: nonsense.
Genome position (GRCh38, 1-based): chr10:88,764,429, T>G. VCF-style: chr10-88764429-T-G. GRCh37 (hg19) VCF-style: chr10-90524186-T-G.
Other names: short protein forms Y82*.
Identifiers: ClinVar variation 1804712 (VCV001804712.2), dbSNP rs745861312, ClinGen allele CA5591812.